The following is an entry in ClinVar:

NM_000085.5(CLCNKB):c.656-105G>A

Genes: CLCNKB (chloride voltage-gated channel Kb; plus strand), LOC106501713 (CLCNKB recombination region; plus strand). Cytogenetic location: 1p36.13.
Variant type: single nucleotide variant.
Coding change: c.656-105G>A on transcript NM_000085.5 (MANE Select); 105 bases into the intron before coding-DNA position 656, G replaced by A.
Molecular consequence: intron variant. On other transcripts: missense variant (1).
Genome position (GRCh38, 1-based): chr1:16,049,015, G>A. VCF-style: chr1-16049015-G-A. GRCh37 (hg19) VCF-style: chr1-16375510-G-A.
Other names: c.44G>A, p.Gly15Glu (NM_001165945.2); short protein forms G15E.
Identifiers: ClinVar variation 504913 (VCV000504913.8), dbSNP rs11588392, ClinGen allele CA623443.

ClinVar aggregate classification (germline): Benign. Review status: criteria provided, multiple submitters, no conflicts (2 of 4 stars). 4 submissions from 4 submitters: Benign (4). Last evaluated 2024-11-26.

Allele frequency attached by ClinVar (database versions not stated): gnomAD exomes 0.04827 and 0.05312; ExAC 0.06266; 1000 Genomes Project 0.09445; 1000 Genomes Project 30x 0.09744; ESP Exome Variant Server 0.09750; gnomAD 0.09945 and 0.10476; TOPMed 0.10543.

Submissions (4):

Blueprint Genetics
Classification: Benign. Last evaluated: 2024-11-26. Review status: criteria provided, single submitter. Criteria: ACMG Guidelines, 2015. Collection method: clinical testing. Allele origin: germline.

GeneDx
Classification: Benign. Last evaluated: 2020-01-18. Review status: criteria provided, single submitter. Criteria: GeneDx Variant Classification Process June 2021. Collection method: clinical testing. Allele origin: germline. Affected: yes.

Laboratory for Molecular Medicine, Mass General Brigham Personalized Medicine
Classification: Benign. Last evaluated: 2016-03-21. Review status: criteria provided, single submitter. Criteria: LMM Criteria. Collection method: clinical testing. Allele origin: germline. Observed: 1 variant allele.
Comment: p.Gly15Glu in exon 1 of CLCNKB: This variant is not expected to have clinical si gnificance because it has been identified in 26.32% (2312/8784) of African chrom osomes by the Exome Aggregation Consortium (ExAC ; dbSNP rs11588392).

Breakthrough Genomics
Classification: Benign. Review status: criteria provided, single submitter. Criteria: ACMG Guidelines, 2015. Collection method: not provided. Allele origin: germline. Inheritance: Autosomal recessive inheritance. Affected: yes.